The following is an entry in ClinVar:

NM_000294.3(PHKG2):c.-28G>A

Gene: PHKG2 (phosphorylase kinase catalytic subunit gamma 2; plus strand). Cytogenetic location: 16p11.2.
Variant type: single nucleotide variant.
Coding change: c.-28G>A on transcript NM_000294.3 (MANE Select); 28 bases upstream of the start codon, G replaced by A.
Molecular consequence: 5 prime UTR variant.
Genome position (GRCh38, 1-based): chr16:30,748,481, G>A. VCF-style: chr16-30748481-G-A. GRCh37 (hg19) VCF-style: chr16-30759802-G-A.
Other names: c.-28G>A (NM_001172432.2).
Identifiers: ClinVar variation 506781 (VCV000506781.1), dbSNP rs556945561, ClinGen allele CA494683518.
Genomic context (GRCh38, chr16:30,748,481, plus strand): 5'-GAGCGACTGCAGGCAAACCCGGCGACAGCGCAGCTCGCGTCGACCCTGGCTCCTCTGCCT[G>A]CCCCCTCAGGTGAGCCTGCGCTAGACCCCCGTCCCCTTCCTGCGCCCGCCCGAATGCGCC-3'

ClinVar aggregate classification (germline): Likely benign (1 of 4 stars; one submission).

gnomAD v4.1: 10 of 372,468 alleles (0.0027%); highest among the groups gnomAD compares: Non-Finnish European, 0.0044%; no homozygotes.

Submission:

GeneDx
Classification: Likely benign. Last evaluated: 2017-01-25. Review status: criteria provided, single submitter. Criteria: GeneDx Variant Classification (06012015). Collection method: clinical testing. Allele origin: germline. Affected: yes.
Comment: This variant is considered likely benign or benign based on one or more of the following criteria: it is a conservative change, it occurs at a poorly conserved position in the protein, it is predicted to be benign by multiple in silico algorithms, and/or has population frequency not consistent with disease.